The following is an entry in ClinVar:

NM_182914.3(SYNE2):c.16554G>C (p.Glu5518Asp)

Gene: SYNE2 (spectrin repeat containing nuclear envelope protein 2; plus strand). Cytogenetic location: 14q23.2.
Variant type: single nucleotide variant.
Coding change: c.16554G>C on transcript NM_182914.3 (MANE Select); coding-DNA position 16554, G replaced by C.
Protein change: p.Glu5518Asp; replaces glutamic acid 5518 with aspartic acid.
Molecular consequence: missense variant.
Genome position (GRCh38, 1-based): chr14:64,165,359, G>C. VCF-style: chr14-64165359-G-C. GRCh37 (hg19) VCF-style: chr14-64632077-G-C.
Other names: c.16554G>C, p.Glu5518Asp (NM_015180.6); short protein forms E5518D.
Identifiers: ClinVar variation 2004214 (VCV002004214.4), dbSNP rs750524738, ClinGen allele CA7223408.

ClinVar aggregate classification (germline): Uncertain significance (1 of 4 stars; one submission).

Conditions:
Emery-Dreifuss muscular dystrophy 5, autosomal dominant (EDMD5). Also called: EMERY-DREIFUSS MUSCULAR DYSTROPHY 5. Identifiers: Orphanet 261, MedGen C2751805, MONDO:0013072, OMIM 612999.

Allele frequency attached by ClinVar (database versions not stated): ExAC 0.00001.
gnomAD v4.1: 1 of 1,613,906 alleles (0.000062%); highest among the groups gnomAD compares: Non-Finnish European, 0.000085%; no homozygotes.

Submission:

Labcorp Genetics (formerly Invitae), Labcorp
Classification: Uncertain significance for Emery-Dreifuss muscular dystrophy 5, autosomal dominant. Last evaluated: 2022-06-10. Review status: criteria provided, single submitter. Criteria: Invitae Variant Classification Sherloc (09022015). Collection method: clinical testing. Allele origin: germline.
Comment: In summary, the available evidence is currently insufficient to determine the role of this variant in disease. Therefore, it has been classified as a Variant of Uncertain Significance. Algorithms developed to predict the effect of missense changes on protein structure and function are either unavailable or do not agree on the potential impact of this missense change (SIFT: "Tolerated"; PolyPhen-2: "Probably Damaging"; Align-GVGD: "Class C0"). This variant has not been reported in the literature in individuals affected with SYNE2-related conditions. This variant is present in population databases (rs750524738, gnomAD 0.0009%). This sequence change replaces glutamic acid, which is acidic and polar, with aspartic acid, which is acidic and polar, at codon 5518 of the SYNE2 protein (p.Glu5518Asp).